The following is an entry in ClinVar:

ClinVar aggregate classification (germline): Conflicting classifications of pathogenicity. Review status: criteria provided, conflicting classifications (1 of 4 stars). 3 submissions from 3 submitters: Uncertain significance (2); Likely benign (1). Last evaluated 2026-04-09.

Conditions:
Familial hypobetalipoproteinemia 1. Also called: Hypobetalipoproteinemia, normotriglyceridemic; Acanthocytosis with hypobetalipoproteinemia; APOB-Related Familial Hypobetalipoproteinemia. Identifiers: MedGen C4551990, MONDO:0014252, OMIM 615558.
Hypercholesterolemia, autosomal dominant, type B (FHCL2). Also called: Familial Hypercholesterolemia Type B; APOLIPOPROTEIN B-100, FAMILIAL DEFECTIVE; APOLIPOPROTEIN B-100, FAMILIAL LIGAND-DEFECTIVE; HYPERCHOLESTEROLEMIA, FAMILIAL, DUE TO LIGAND-DEFECTIVE APOLIPOPROTEIN B; Hyperlipoproteinemia Type IIb; Familial hypercholesterolemia 2. Identifiers: MedGen C1704417, MONDO:0007751, OMIM 144010.
Cardiovascular phenotype. Identifiers: MedGen CN230736.

Allele frequency attached by ClinVar (database versions not stated): gnomAD 0.00001; TOPMed below 0.00001; ExAC 0.00001.
gnomAD v4.1: 4 of 1,614,004 alleles (0.00025%); highest among the groups gnomAD compares: Non-Finnish European, 0.00034%; no homozygotes.

Submissions (3):

GeneDx
Classification: Uncertain significance. Last evaluated: 2026-04-09. Review status: criteria provided, single submitter. Criteria: GeneDx Variant Classification Process June 2021. Collection method: clinical testing. Allele origin: germline.
Comment: Not observed at significant frequency in large population cohorts (gnomAD); In silico analysis supports that this missense variant has a deleterious effect on protein structure/function; Has not been previously published as pathogenic or benign to our knowledge

Ambry Genetics
Classification: Uncertain significance for Cardiovascular phenotype. Last evaluated: 2025-04-24. Review status: criteria provided, single submitter. Criteria: Ambry Variant Classification Scheme 2023. Collection method: clinical testing. Allele origin: germline.
Comment: The p.F2731L variant (also known as c.8193T>A), located in coding exon 26 of the APOB gene, results from a T to A substitution at nucleotide position 8193. The phenylalanine at codon 2731 is replaced by leucine, an amino acid with highly similar properties. This amino acid position is conserved. In addition, this alteration is predicted to be tolerated by in silico analysis. Since supporting evidence is limited at this time, the clinical significance of this alteration remains unclear.

Labcorp Genetics (formerly Invitae), Labcorp
Classification: Likely benign for Familial hypobetalipoproteinemia 1; Hypercholesterolemia, autosomal dominant, type B. Last evaluated: 2025-01-28. Review status: criteria provided, single submitter. Criteria: Invitae Variant Classification Sherloc (09022015). Collection method: clinical testing. Allele origin: germline.

NM_000384.3(APOB):c.8193T>A (p.Phe2731Leu)

Gene: APOB (apolipoprotein B; minus strand). Cytogenetic location: 2p24.1.
Variant type: single nucleotide variant.
Coding change: c.8193T>A on transcript NM_000384.3 (MANE Select); coding-DNA position 8193, T replaced by A.
Protein change: p.Phe2731Leu; replaces phenylalanine 2731 with leucine.
Molecular consequence: missense variant.
Genome position (GRCh38, 1-based): chr2:21,008,675, A>T on the plus strand (T>A on the coding strand, the complement: APOB is on the minus strand). VCF-style: chr2-21008675-A-T. GRCh37 (hg19) VCF-style: chr2-21231547-A-T.
Other names: short protein forms F2731L.
Identifiers: ClinVar variation 1762358 (VCV001762358.7), dbSNP rs760565615, ClinGen allele CA065342.